The following is an entry in ClinVar:

ClinVar aggregate classification (germline): Benign. Review status: criteria provided, multiple submitters, no conflicts (2 of 4 stars). 3 submissions from 3 submitters: Benign (2). 1 of the submissions does not count toward it. Last evaluated 2026-01-24.

Conditions:
ANK3-related disorder. Also called: ANK3-related condition.

Allele frequency attached by ClinVar (database versions not stated): 1000 Genomes Project 0.01558; TOPMed 0.01662; 1000 Genomes Project 30x 0.01686.
gnomAD v4.1: 4,409 of 1,599,896 alleles (0.28%); highest among the groups gnomAD compares: African/African-American, 5.4%; 137 homozygotes.

Submissions (3):

Labcorp Genetics (formerly Invitae), Labcorp
Classification: Benign. Last evaluated: 2026-01-24. Review status: criteria provided, single submitter. Criteria: Invitae Variant Classification Sherloc (09022015). Collection method: clinical testing. Allele origin: germline.

Breakthrough Genomics
Classification: Benign. Review status: criteria provided, single submitter. Criteria: ACMG Guidelines, 2015. Collection method: not provided. Allele origin: germline. Inheritance: Autosomal recessive inheritance. Affected: yes.

PreventionGenetics, part of Exact Sciences
Classification: Benign for ANK3-related condition. Last evaluated: 2020-10-10. Review status: no assertion criteria provided. Collection method: clinical testing. Allele origin: germline. Not counted in ClinVar's aggregate classification.
Comment: This variant is classified as benign based on ACMG/AMP sequence variant interpretation guidelines (Richards et al. 2015 PMID: 25741868, with internal and published modifications).

NM_020987.5(ANK3):c.468C>T (p.Val156=)

Gene: ANK3 (ankyrin 3; minus strand). Cytogenetic location: 10q21.2.
Variant type: single nucleotide variant.
Coding change: c.468C>T on transcript NM_020987.5 (MANE Select); coding-DNA position 468, C replaced by T.
Protein change: p.Val156=; no amino-acid change (valine 156 retained).
Molecular consequence: synonymous variant.
Genome position (GRCh38, 1-based): chr10:60,270,176, G>A on the plus strand (C>T on the coding strand, the complement: ANK3 is on the minus strand). VCF-style: chr10-60270176-G-A. GRCh37 (hg19) VCF-style: chr10-62029934-G-A.
Other names: c.450C>T, p.Val150= (NM_001204403.2); c.417C>T, p.Val139= (NM_001204404.2); c.468C>T, p.Val156= (NM_001320874.2).
Identifiers: ClinVar variation 780865 (VCV000780865.13), dbSNP rs71495633, ClinGen allele CA5513416.